The following is an entry in ClinVar:

ClinVar aggregate classification (germline): Uncertain significance (1 of 4 stars; one submission).

Submission:

GeneDx
Classification: Uncertain significance. Last evaluated: 2022-12-31. Review status: criteria provided, single submitter. Criteria: GeneDx Variant Classification Process June 2021. Collection method: clinical testing. Allele origin: germline. Affected: yes.
Comment: Not observed at significant frequency in large population cohorts (gnomAD); In silico analysis supports that this missense variant does not alter protein structure/function; Has not been previously published as pathogenic or benign to our knowledge

NM_021926.4(ALX4):c.901G>C (p.Ala301Pro)

Gene: ALX4 (ALX homeobox 4; minus strand). Cytogenetic location: 11p11.2.
Variant type: single nucleotide variant.
Coding change: c.901G>C on transcript NM_021926.4 (MANE Select); coding-DNA position 901, G replaced by C.
Protein change: p.Ala301Pro; replaces alanine 301 with proline.
Molecular consequence: missense variant.
Genome position (GRCh38, 1-based): chr11:44,267,499, C>G on the plus strand (G>C on the coding strand, the complement: ALX4 is on the minus strand). VCF-style: chr11-44267499-C-G. GRCh37 (hg19) VCF-style: chr11-44289049-C-G.
Other names: short protein forms A301P.
Identifiers: ClinVar variation 2507064 (VCV002507064.1), dbSNP rs766411205, ClinGen allele CA380181843.